The following is an entry in ClinVar:

ClinVar aggregate classification (germline): Likely pathogenic (1 of 4 stars; one submission).

Conditions:
Early-infantile DEE. Also called: Early infantile epileptic encephalopathy with suppression bursts; Early infantile epileptic encephalopathy; Ohtahara syndrome. Identifiers: Orphanet 1934, MedGen C0393706, MONDO:0800491.

Submission:

Labcorp Genetics (formerly Invitae), Labcorp
Classification: Likely pathogenic for Early-infantile DEE. Last evaluated: 2023-04-24. Review status: criteria provided, single submitter. Criteria: Invitae Variant Classification Sherloc (09022015). Collection method: clinical testing. Allele origin: germline.
Comment: In summary, the currently available evidence indicates that the variant is pathogenic, but additional data are needed to prove that conclusively. Therefore, this variant has been classified as Likely Pathogenic. Advanced modeling of protein sequence and biophysical properties (such as structural, functional, and spatial information, amino acid conservation, physicochemical variation, residue mobility, and thermodynamic stability) performed at Invitae indicates that this missense variant is expected to disrupt SCN1A protein function. ClinVar contains an entry for this variant (Variation ID: 1716779). This missense change has been observed in individual(s) with clinical features of SCN1A-related conditions (Invitae). It has also been observed to segregate with disease in related individuals. This variant is not present in population databases (gnomAD no frequency). This sequence change replaces phenylalanine, which is neutral and non-polar, with leucine, which is neutral and non-polar, at codon 811 of the SCN1A protein (p.Phe811Leu).

NM_001165963.4(SCN1A):c.2431T>C (p.Phe811Leu)

Gene: SCN1A (sodium voltage-gated channel alpha subunit 1; minus strand). Cytogenetic location: 2q24.3.
Variant type: single nucleotide variant.
Coding change: c.2431T>C on transcript NM_001165963.4 (MANE Select); coding-DNA position 2431, T replaced by C.
Protein change: p.Phe811Leu; replaces phenylalanine 811 with leucine.
Molecular consequence: missense variant. On other transcripts: 5 prime UTR variant (1), non-coding transcript variant (1).
Genome position (GRCh38, 1-based): chr2:166,039,581, A>G on the plus strand (T>C on the coding strand, the complement: SCN1A is on the minus strand). VCF-style: chr2-166039581-A-G. GRCh37 (hg19) VCF-style: chr2-166896091-A-G.
Other names: c.2347T>C, p.Phe783Leu (NM_001165964.3, NM_001353957.2, NM_001353958.2); c.2431T>C, p.Phe811Leu (NM_001202435.3, NM_001353948.2); c.2398T>C, p.Phe800Leu (NM_001353949.2, NM_001353950.2, NM_001353951.2 and 2 more transcripts); c.2395T>C, p.Phe799Leu (NM_001353954.2, NM_001353955.2); c.2344T>C, p.Phe782Leu (NM_001353960.2); c.-12T>C (NM_001353961.2); short protein forms F782L, F783L, F799L, F800L, F811L.
Identifiers: ClinVar variation 1716779 (VCV001716779.5), dbSNP rs2468115681, ClinGen allele CA349062764.
Genomic context (GRCh38, chr2:166,039,581, plus strand): 5'-CTTCTTGGAAATAATAGTAAGGATCCATGGCAATAATTTTCAGAAACATTTCTGCTGTAA[A>G]GATCCCAGTGAAAACCTAAGATCAAAACAAAATTAATCTAATTCCACCAGATAATAACAT-3'
Protein context (NP_001159435.1, residues 801-821): TVGNLVFTGI[Phe811Leu]TAEMFLKIIA